The following is an entry in ClinVar:

NM_001394062.1(MACF1):c.11426C>G (p.Ala3809Gly)

Gene: MACF1 (microtubule actin crosslinking factor 1; plus strand). Cytogenetic location: 1p34.3.
Variant type: single nucleotide variant.
Coding change: c.11426C>G on transcript NM_001394062.1 (MANE Select); coding-DNA position 11426, C replaced by G.
Protein change: p.Ala3809Gly; replaces alanine 3809 with glycine.
Molecular consequence: missense variant.
Genome position (GRCh38, 1-based): chr1:39,357,376, C>G. VCF-style: chr1-39357376-C-G. GRCh37 (hg19) VCF-style: chr1-39823048-C-G.
Other names: c.5240C>G, p.Ala1747Gly (NM_012090.5); short protein forms A1747G, A3809G.
Identifiers: ClinVar variation 4056590 (VCV004056590.1).

ClinVar aggregate classification (germline): Uncertain significance (1 of 4 stars; one submission).

Conditions:
Lissencephaly 9 with complex brainstem malformation. Identifiers: Orphanet 572013, MedGen C5193029, MONDO:0032677, OMIM 618325.

Submission:

Laboratorio de Genetica e Diagnostico Molecular, Hospital Israelita Albert Einstein
Classification: Uncertain significance for Lissencephaly 9 with complex brainstem malformation. Last evaluated: 2025-03-27. Review status: criteria provided, single submitter. Criteria: ACMG Guidelines, 2015. Collection method: clinical testing. Allele origin: germline. Affected: yes.
Comment: ACMG classification criteria: PM2 supporting, PP2 supporting, BP4 supporting